The following is an entry in ClinVar:

NM_000215.4(JAK3):c.2615T>C (p.Ile872Thr)

Gene: JAK3 (Janus kinase 3; minus strand). Cytogenetic location: 19p13.11.
Variant type: single nucleotide variant.
Coding change: c.2615T>C on transcript NM_000215.4 (MANE Select); coding-DNA position 2615, T replaced by C.
Protein change: p.Ile872Thr; replaces isoleucine 872 with threonine.
Molecular consequence: missense variant.
Genome position (GRCh38, 1-based): chr19:17,832,584, A>G on the plus strand (T>C on the coding strand, the complement: JAK3 is on the minus strand). VCF-style: chr19-17832584-A-G. GRCh37 (hg19) VCF-style: chr19-17943393-A-G.
Other names: short protein forms I872T.
Identifiers: ClinVar variation 962093 (VCV000962093.8), dbSNP rs2094216320, ClinGen allele CA404766253.
Genomic context (GRCh38, chr19:17,832,584, plus strand): 5'-CCATAGCTGACACCACGATACTTGACAATGAAATCACTGTGCAGTGCTTTGAGGATCTGA[A>G]TCTCCCGCTGAAAGTCCCTCTGCTGGTCTGGCCCGCTGTGCTGCAGCTGTTTCACGGCCA-3'
Protein context (NP_000206.2, residues 862-882): PDQQRDFQRE[Ile872Thr]QILKALHSDF

ClinVar aggregate classification (germline): Uncertain significance. Review status: criteria provided, multiple submitters, no conflicts (2 of 4 stars). 2 submissions from 2 submitters: Uncertain significance (2). Last evaluated 2022-03-19.

Conditions:
T-B+ severe combined immunodeficiency due to JAK3 deficiency. Also called: SCID, T CELL-NEGATIVE, B CELL-POSITIVE, NK CELL-NEGATIVE; SCID, autosomal recessive, T-negative/B-positive type. Identifiers: Orphanet 35078, MedGen C1833275, MONDO:0010938, OMIM 600802.

Allele frequency attached by ClinVar (database versions not stated): gnomAD exomes below 0.00001.
gnomAD v4.1: 4 of 1,614,162 alleles (0.00025%); highest among the groups gnomAD compares: Non-Finnish European, 0.00034%; no homozygotes.

Submissions (2):

Labcorp Genetics (formerly Invitae), Labcorp
Classification: Uncertain significance for T-B+ severe combined immunodeficiency due to JAK3 deficiency. Last evaluated: 2022-03-19. Review status: criteria provided, single submitter. Criteria: Invitae Variant Classification Sherloc (09022015). Collection method: clinical testing. Allele origin: germline.
Comment: This sequence change replaces isoleucine, which is neutral and non-polar, with threonine, which is neutral and polar, at codon 872 of the JAK3 protein (p.Ile872Thr). This variant is not present in population databases (gnomAD no frequency). This variant has not been reported in the literature in individuals affected with JAK3-related conditions. ClinVar contains an entry for this variant (Variation ID: 962093). Algorithms developed to predict the effect of missense changes on protein structure and function are either unavailable or do not agree on the potential impact of this missense change (SIFT: "Tolerated"; PolyPhen-2: "Probably Damaging"; Align-GVGD: "Class C0"). In summary, the available evidence is currently insufficient to determine the role of this variant in disease. Therefore, it has been classified as a Variant of Uncertain Significance.

GeneDx
Classification: Uncertain significance. Last evaluated: 2020-02-27. Review status: criteria provided, single submitter. Criteria: GeneDx Variant Classification Process June 2021. Collection method: clinical testing. Allele origin: germline. Affected: yes.
Comment: Not observed in large population cohorts (Lek et al., 2016); In silico analysis supports that this missense variant has a deleterious effect on protein structure/function; Has not been previously published as pathogenic or benign to our knowledge